The following is an entry in ClinVar:

ClinVar aggregate classification (germline): Likely benign (1 of 4 stars; one submission).

Conditions:
SOX10-related disorder. Also called: SOX10-related condition.

Submission:

PreventionGenetics, part of Exact Sciences
Classification: Likely benign for SOX10-related condition. Last evaluated: 2026-07-29. Review status: criteria provided, single submitter. Criteria: ACMG Guidelines, 2015. Collection method: clinical testing. Allele origin: germline.
Comment: This variant is classified as likely benign based on ACMG/AMP sequence variant interpretation guidelines (Richards et al. 2015 PMID: 25741868, with internal and published modifications).

NC_000022.11:g.38016765G>A

Genes: POLR2F (RNA polymerase II, I and III subunit F; plus strand), SOX10 (SRY-box transcription factor 10; minus strand). Cytogenetic location: 22q13.1.
Variant type: single nucleotide variant.
Molecular consequence: intron variant (on NM_001363825.1).
Genome position: GRCh38 VCF-style: chr22-38016765-G-A. GRCh37 (hg19) VCF-style: chr22-38412772-G-A.
Other names: c.*39-24303G>A (NM_001363825.1); c.453-24303G>A (NM_001301130.2); c.294-24303G>A (NM_001301131.2).
Identifiers: ClinVar variation 4997140 (VCV004997140.1).